The following is an entry in ClinVar:

NM_001130438.3(SPTAN1):c.928A>G (p.Lys310Glu)

Gene: SPTAN1 (spectrin alpha, non-erythrocytic 1; plus strand). Cytogenetic location: 9q34.11.
Variant type: single nucleotide variant.
Coding change: c.928A>G on transcript NM_001130438.3 (MANE Select); coding-DNA position 928, A replaced by G.
Protein change: p.Lys310Glu; replaces lysine 310 with glutamic acid.
Molecular consequence: missense variant.
Genome position (GRCh38, 1-based): chr9:128,577,271, A>G. VCF-style: chr9-128577271-A-G. GRCh37 (hg19) VCF-style: chr9-131339550-A-G.
Other names: c.928A>G, p.Lys310Glu (NM_001195532.2, NM_001363759.2, NM_001363765.2 and 5 more transcripts); c.964A>G, p.Lys322Glu (NM_001375312.2, NM_001375318.1); short protein forms K310E, K322E.
Identifiers: ClinVar variation 2750408 (VCV002750408.3), dbSNP rs2541051136, ClinGen allele CA375049016.

ClinVar aggregate classification (germline): Uncertain significance (1 of 4 stars; one submission).

Conditions:
Early-infantile DEE. Also called: Ohtahara syndrome; Early infantile epileptic encephalopathy; Early infantile epileptic encephalopathy with suppression bursts. Identifiers: Orphanet 1934, MedGen C0393706, MONDO:0800491.

Submission:

Labcorp Genetics (formerly Invitae), Labcorp
Classification: Uncertain significance for Early-infantile DEE. Last evaluated: 2023-08-05. Review status: criteria provided, single submitter. Criteria: Invitae Variant Classification Sherloc (09022015). Collection method: clinical testing. Allele origin: germline.
Comment: In summary, the available evidence is currently insufficient to determine the role of this variant in disease. Therefore, it has been classified as a Variant of Uncertain Significance. An algorithm developed to predict the effect of missense changes on protein structure and function (PolyPhen-2) suggests that this variant is likely to be disruptive. This variant has not been reported in the literature in individuals affected with SPTAN1-related conditions. This variant is not present in population databases (gnomAD no frequency). This sequence change replaces lysine, which is basic and polar, with glutamic acid, which is acidic and polar, at codon 310 of the SPTAN1 protein (p.Lys310Glu).